The following is an entry in ClinVar:

NM_020928.2(ZSWIM6):c.73_78dup (p.Gly25_Gly26dup)

Gene: ZSWIM6 (zinc finger SWIM-type containing 6; plus strand). Cytogenetic location: 5q12.1.
Variant type: Duplication.
Coding change: c.73_78dup on transcript NM_020928.2 (MANE Select); coding-DNA positions 73 to 78, 6 bases duplicated (GGGGGC; older notation c.73_78dupGGGGGC).
Protein change: p.Gly25_Gly26dup.
Molecular consequence: inframe insertion.
Genome position (GRCh38, 1-based): chr5:61,332,345-61,332,350, GGGGGC duplicated; duplicating any 6 consecutive bases within chr5:61,332,342-61,332,350 gives the same sequence; the c. name uses the placement nearest the transcript's 3' end. VCF-style (leftmost placement, unchanged base first): chr5-61332341-C-CGGCGGG. GRCh37 (hg19) VCF-style: chr5-60628168-C-CGGCGGG.
Identifiers: ClinVar variation 1314389 (VCV001314389.7), dbSNP rs1299296212, ClinGen allele CA812781104.

ClinVar aggregate classification (germline): Uncertain significance. Review status: criteria provided, multiple submitters, no conflicts (2 of 4 stars). 2 submissions from 2 submitters: Uncertain significance (2). Last evaluated 2024-12-16.

Submissions (2):

Labcorp Genetics (formerly Invitae), Labcorp
Classification: Uncertain significance. Last evaluated: 2024-12-16. Review status: criteria provided, single submitter. Criteria: Invitae Variant Classification Sherloc (09022015). Collection method: clinical testing. Allele origin: germline.
Comment: This variant, c.73_78dup, results in the insertion of 2 amino acid(s) of the ZSWIM6 protein (p.Gly25_Gly26dup), but otherwise preserves the integrity of the reading frame. This variant is not present in population databases (gnomAD no frequency). This variant has not been reported in the literature in individuals affected with ZSWIM6-related conditions. ClinVar contains an entry for this variant (Variation ID: 1314389). Experimental studies and prediction algorithms are not available or were not evaluated, and the functional significance of this variant is currently unknown. In summary, the available evidence is currently insufficient to determine the role of this variant in disease. Therefore, it has been classified as a Variant of Uncertain Significance.

GeneDx
Classification: Uncertain significance. Last evaluated: 2021-04-05. Review status: criteria provided, single submitter. Criteria: GeneDx Variant Classification Process June 2021. Collection method: clinical testing. Allele origin: germline. Affected: yes.
Comment: Not observed in large population cohorts (Lek et al., 2016); In-frame insertion of 2 amino acids in a repetitive region with no known function; Has not been previously published as pathogenic or benign to our knowledge